The following is an entry in ClinVar:

ClinVar aggregate classification (germline): Uncertain significance (1 of 4 stars; one submission).

gnomAD v4.1: 48 of 1,612,456 alleles (0.003%); highest among the groups gnomAD compares: South Asian, 0.046%; no homozygotes.

Submission:

Labcorp Genetics (formerly Invitae), Labcorp
Classification: Uncertain significance. Last evaluated: 2025-09-23. Review status: criteria provided, single submitter. Criteria: Invitae Variant Classification Sherloc (09022015). Collection method: clinical testing. Allele origin: germline.
Comment: This sequence change replaces serine, which is neutral and polar, with phenylalanine, which is neutral and non-polar, at codon 790 of the TNNI3K protein (p.Ser790Phe). This variant is present in population databases (rs200750418, gnomAD 0.03%). This variant has not been reported in the literature in individuals affected with TNNI3K-related conditions. ClinVar contains an entry for this variant (Variation ID: 3667637). An algorithm developed to predict the effect of missense changes on protein structure and function (PolyPhen-2) suggests that this variant is likely to be tolerated. In summary, the available evidence is currently insufficient to determine the role of this variant in disease. Therefore, it has been classified as a Variant of Uncertain Significance.

NM_015978.3(TNNI3K):c.2369C>T (p.Ser790Phe)

Genes: FPGT-TNNI3K (FPGT-TNNI3K readthrough; plus strand), TNNI3K (TNNI3 interacting kinase; plus strand). Cytogenetic location: 1p31.1.
Variant type: single nucleotide variant.
Coding change: c.2369C>T on transcript NM_015978.3 (MANE Select); coding-DNA position 2369, C replaced by T.
Protein change: p.Ser790Phe; replaces serine 790 with phenylalanine.
Molecular consequence: missense variant.
Genome position (GRCh38, 1-based): chr1:74,540,251, C>T. VCF-style: chr1-74540251-C-T. GRCh37 (hg19) VCF-style: chr1-75005935-C-T.
Other names: c.2672C>T, p.Ser891Phe (NM_001112808.3); short protein forms S790F, S891F.
Identifiers: ClinVar variation 3667637 (VCV003667637.2).